The following is an entry in ClinVar:

ClinVar aggregate classification (germline): Uncertain significance (1 of 4 stars; one submission).

Submission:

GeneDx
Classification: Uncertain significance. Last evaluated: 2025-02-13. Review status: criteria provided, single submitter. Criteria: GeneDx Variant Classification Process June 2021. Collection method: clinical testing. Allele origin: germline. Affected: yes.
Comment: Not observed at significant frequency in large population cohorts (gnomAD); In silico analysis supports that this missense variant has a deleterious effect on protein structure/function; Has not been previously published as pathogenic or benign to our knowledge

NM_001379451.1(BCORL1):c.1841C>T (p.Pro614Leu)

Gene: BCORL1 (BCL6 corepressor like 1; plus strand). Cytogenetic location: Xq26.1.
Variant type: single nucleotide variant.
Coding change: c.1841C>T on transcript NM_001379451.1 (MANE Select); coding-DNA position 1841, C replaced by T.
Protein change: p.Pro614Leu; replaces proline 614 with leucine.
Molecular consequence: missense variant.
Genome position (GRCh38, 1-based): chrX:130,014,613, C>T. VCF-style: chrX-130014613-C-T. GRCh37 (hg19) VCF-style: chrX-129148589-C-T.
Other names: c.1841C>T, p.Pro614Leu (NM_001184772.3, NM_001379450.1, NM_001441326.1 and 7 more transcripts); short protein forms P614L.
Identifiers: ClinVar variation 4075662 (VCV004075662.1).